The following is an entry in ClinVar:

NM_020297.4(ABCC9):c.3656T>G (p.Leu1219Arg)

Genes: ABCC9 (ATP binding cassette subfamily C member 9; minus strand), KCNJ8-AS1 (KCNJ8 antisense RNA 1; plus strand). Cytogenetic location: 12p12.1.
Variant type: single nucleotide variant.
Coding change: c.3656T>G on transcript NM_020297.4 (MANE Select); coding-DNA position 3656, T replaced by G.
Protein change: p.Leu1219Arg; replaces leucine 1219 with arginine.
Molecular consequence: missense variant.
Genome position (GRCh38, 1-based): chr12:21,828,971, A>C on the plus strand (T>G on the coding strand, the complement: ABCC9 is on the minus strand). VCF-style: chr12-21828971-A-C. GRCh37 (hg19) VCF-style: chr12-21981905-A-C.
Other names: c.3656T>G, p.Leu1219Arg (NM_001377273.1, NM_005691.4); c.2789T>G, p.Leu930Arg (NM_001377274.1); short protein forms L1219R, L930R.
Identifiers: ClinVar variation 420904 (VCV000420904.2), dbSNP rs1064794780, ClinGen allele CA16619501.

ClinVar aggregate classification (germline): Likely pathogenic (1 of 4 stars; one submission).

Submission:

GeneDx
Classification: Likely pathogenic. Last evaluated: 2016-04-06. Review status: criteria provided, single submitter. Criteria: GeneDx Variant Classification (06012015). Collection method: clinical testing. Allele origin: germline. Affected: yes.
Comment: The L1219R variant in the ABCC9 gene has not been reported previously as a pathogenic variant, nor as a benign variant, to our knowledge. This variant was not observed in approximately 6500 individuals of European and African American ancestry in the NHLBI Exome Sequencing Project, indicating it is not a common benign variant in these populations. The L1219R variant is a non-conservative amino acid substitution, which is likely to impact secondary protein structure as these residues differ in polarity, charge, size and/or other properties. This substitution occurs at a position that is conserved across species, and in silico analysis predicts this variant is probably damaging to the protein structure/function. The L1219R variant is a strong candidate for a pathogenic variant.